The following is an entry in ClinVar:

ClinVar aggregate classification (germline): Uncertain significance (1 of 4 stars; one submission).

Conditions:
Developmental and epileptic encephalopathy, 42 (DEE42A). Also called: Epileptic encephalopathy, early infantile, 42; DEVELOPMENTAL AND EPILEPTIC ENCEPHALOPATHY 42A; EPILEPTIC ENCEPHALOPATHY, EARLY INFANTILE, 42A. Identifiers: MedGen C4310716, MONDO:0014917, OMIM 617106.

Submission:

3billion
Classification: Uncertain significance for Developmental and epileptic encephalopathy, 42. Last evaluated: 2022-03-22. Review status: criteria provided, single submitter. Criteria: ACMG Guidelines, 2015. Collection method: clinical testing. Allele origin: germline. Affected: yes. Observed: 1 heterozygote.
Comment: A different missense change at the same codon has been reported as pathogenic/likely pathogenic with strong evidence (ClinVar ID: VCV001320269, PMID:32901917). It is not observed in the gnomAD v2.1.1 dataset. In silico tool predictions suggest damaging effect of the variant on gene or gene product (REVEL: 0.887>=0.6). Therefore, this variant is classified as uncertain significance according to the recommendation of ACMG/AMP guideline.

Literature cited by the submitters: PubMed 32901917.

NM_001127222.2(CACNA1A):c.4550G>T (p.Gly1517Val)

Gene: CACNA1A (calcium voltage-gated channel subunit alpha1 A; minus strand). Cytogenetic location: 19p13.13.
Variant type: single nucleotide variant.
Coding change: c.4550G>T on transcript NM_001127222.2 (MANE Select); coding-DNA position 4550, G replaced by T.
Protein change: p.Gly1517Val; replaces glycine 1517 with valine.
Molecular consequence: missense variant.
Genome position (GRCh38, 1-based): chr19:13,257,390, C>A on the plus strand (G>T on the coding strand, the complement: CACNA1A is on the minus strand). VCF-style: chr19-13257390-C-A. GRCh37 (hg19) VCF-style: chr19-13368204-C-A.
Other names: c.4562G>T, p.Gly1521Val (NM_000068.4, NM_023035.3); c.4553G>T, p.Gly1518Val (NM_001127221.2, NM_001174080.2); short protein forms G1517V, G1518V, G1521V.
Identifiers: ClinVar variation 1526054 (VCV001526054.1), dbSNP rs2144748218, ClinGen allele CA404338804.